The following is an entry in ClinVar:

ClinVar aggregate classification (germline): Uncertain significance (1 of 4 stars; one submission).

Conditions:
TRIP12-related disorder. Also called: TRIP12-related condition.

Allele frequency attached by ClinVar (database versions not stated): gnomAD 0.00001; TOPMed 0.00001; ExAC 0.00002.
gnomAD v4.1: 3 of 1,598,810 alleles (0.00019%); highest among the groups gnomAD compares: Non-Finnish European, 0.00026%; no homozygotes.

Submission:

PreventionGenetics, part of Exact Sciences
Classification: Uncertain significance for TRIP12-related condition. Last evaluated: 2023-05-22. Review status: criteria provided, single submitter. Criteria: ACMG Guidelines, 2015. Collection method: clinical testing. Allele origin: germline.
Comment: The TRIP12 c.1244C>T variant is predicted to result in the amino acid substitution p.Thr415Ile. To our knowledge, this variant has not been reported in the literature. This variant is reported in 0.00092% of alleles in individuals of European (Non-Finnish) descent in gnomAD. At this time, the clinical significance of this variant is uncertain due to the absence of conclusive functional and genetic evidence.

NM_001348323.3(TRIP12):c.1244C>T (p.Thr415Ile)

Gene: TRIP12 (thyroid hormone receptor interactor 12; minus strand). Cytogenetic location: 2q36.3.
Variant type: single nucleotide variant.
Coding change: c.1244C>T on transcript NM_001348323.3 (MANE Select); coding-DNA position 1244, C replaced by T.
Protein change: p.Thr415Ile; replaces threonine 415 with isoleucine.
Molecular consequence: missense variant.
Genome position (GRCh38, 1-based): chr2:229,836,874, G>A on the plus strand (C>T on the coding strand, the complement: TRIP12 is on the minus strand). VCF-style: chr2-229836874-G-A. GRCh37 (hg19) VCF-style: chr2-230701590-G-A.
Other names: c.1244C>T, p.Thr415Ile (NM_001284214.2, NM_001348315.2, NM_001348319.1 and 13 more transcripts); c.1118C>T, p.Thr373Ile (NM_001284215.2, NM_001348316.2, NM_001348317.1 and 3 more transcripts); c.209C>T, p.Thr70Ile (NM_001284216.2); c.1157C>T, p.Thr386Ile (NM_001348332.1, NM_001348334.1); short protein forms T373I, T386I, T415I, T70I.
Identifiers: ClinVar variation 2633126 (VCV002633126.1), dbSNP rs755477311, ClinGen allele CA2153336.
Genomic context (GRCh38, chr2:229,836,874, plus strand): 5'-AAACGCATTTTAAAGCTAAGAAGTACCAATCTACCTGCAGCTCCTTGGGGAGCTTCATCT[G>A]TCCGAGCAGCTGAAGAATTTACTGCCTCCTGGTTGCTTTCAGGGTCTGCCATTTTCTCCT-3'
Protein context (NP_001335252.1, residues 405-425): QEAVNSSAAR[Thr415Ile]DEAPQGAAAS